The following is an entry in ClinVar:

NM_000111.3(SLC26A3):c.885del (p.Ile295_Met296insTer)

Gene: SLC26A3 (solute carrier family 26 member 3; minus strand). Cytogenetic location: 7q22.3.
Variant type: Deletion.
Coding change: c.885del on transcript NM_000111.3 (MANE Select); coding-DNA position 885, one base deleted (T; older notation c.885delT).
Protein change: p.Ile295_Met296insTer.
Molecular consequence: frameshift variant.
Genome position (GRCh38, 1-based): chr7:107,787,360, A deleted on the plus strand (T on the coding strand, the reverse complement: SLC26A3 is on the minus strand); the first of 2 consecutive A bases (chr7:107,787,360-107,787,361); deleting either gives the same sequence. VCF-style (leftmost placement, unchanged base first): chr7-107787359-TA-T. GRCh37 (hg19) VCF-style: chr7-107427804-TA-T.
Identifiers: ClinVar variation 2765459 (VCV002765459.3), dbSNP rs2535468195, ClinGen allele CA2697557523.
Genomic context (GRCh38, chr7:107,787,359, plus strand): 5'-GACTTACAACATATAAACAGTAGAGTAGCTATGACAGAGTCTGAAAATGATCAATTACCA[TA>T]ATGAATTCGATTGGAATGGGCACTGGAAGTTTGTCTTTGAAGCGCTGATTTATTTCTTTA-3'

ClinVar aggregate classification (germline): Pathogenic (1 of 4 stars; one submission).

Submission:

Labcorp Genetics (formerly Invitae), Labcorp
Classification: Pathogenic. Last evaluated: 2023-06-04. Review status: criteria provided, single submitter. Criteria: Invitae Variant Classification Sherloc (09022015). Collection method: clinical testing. Allele origin: germline.
Comment: This variant has not been reported in the literature in individuals affected with SLC26A3-related conditions. For these reasons, this variant has been classified as Pathogenic. This variant is not present in population databases (gnomAD no frequency). This sequence change creates a premature translational stop signal (p.Met296*) in the SLC26A3 gene. It is expected to result in an absent or disrupted protein product. Loss-of-function variants in SLC26A3 are known to be pathogenic (PMID: 9718329, 21394828).

Literature cited by the submitters: PubMed 9718329; PubMed 21394828.